The following is an entry in ClinVar:

ClinVar aggregate classification (germline): Uncertain significance (1 of 4 stars; one submission).

Conditions:
Peroxisome biogenesis disorder 12A (Zellweger). Also called: Peroxisome biogenesis disorder 12A. Identifiers: Orphanet 912, MedGen C3554002, MONDO:0013951, OMIM 614886.

Allele frequency attached by ClinVar (database versions not stated): gnomAD exomes below 0.00001.
gnomAD v4.1: 2 of 1,613,144 alleles (0.00012%); highest among the groups gnomAD compares: Non-Finnish European, 0.000085%; no homozygotes.

Submission:

Labcorp Genetics (formerly Invitae), Labcorp
Classification: Uncertain significance for Peroxisome biogenesis disorder 12A (Zellweger). Last evaluated: 2021-11-18. Review status: criteria provided, single submitter. Criteria: Invitae Variant Classification Sherloc (09022015). Collection method: clinical testing. Allele origin: germline.
Comment: In summary, the available evidence is currently insufficient to determine the role of this variant in disease. Therefore, it has been classified as a Variant of Uncertain Significance. Algorithms developed to predict the effect of missense changes on protein structure and function are either unavailable or do not agree on the potential impact of this missense change (SIFT: "Deleterious"; PolyPhen-2: "Possibly Damaging"; Align-GVGD: "Class C0"). This variant has not been reported in the literature in individuals affected with PEX19-related conditions. This variant is not present in population databases (gnomAD no frequency). This sequence change replaces glycine, which is neutral and non-polar, with arginine, which is basic and polar, at codon 270 of the PEX19 protein (p.Gly270Arg).

NM_002857.4(PEX19):c.808G>A (p.Gly270Arg)

Gene: PEX19 (peroxisomal biogenesis factor 19; minus strand). Cytogenetic location: 1q23.2.
Variant type: single nucleotide variant.
Coding change: c.808G>A on transcript NM_002857.4 (MANE Select); coding-DNA position 808, G replaced by A.
Protein change: p.Gly270Arg; replaces glycine 270 with arginine.
Molecular consequence: missense variant. On other transcripts: non-coding transcript variant (2).
Genome position (GRCh38, 1-based): chr1:160,279,809, C>T on the plus strand (G>A on the coding strand, the complement: PEX19 is on the minus strand). VCF-style: chr1-160279809-C-T. GRCh37 (hg19) VCF-style: chr1-160249599-C-T.
Other names: c.808G>A, p.Gly270Arg (NM_001193644.1); short protein forms G270R.
Identifiers: ClinVar variation 1423326 (VCV001423326.5), dbSNP rs1657696746, ClinGen allele CA343256217.